The following is an entry in ClinVar:

ClinVar aggregate classification (germline): Uncertain significance (1 of 4 stars; one submission).

Conditions:
Congenital myasthenic syndrome 4A. Also called: CONGENITAL MYASTHENIC SYNDROME TYPE Ia1; MYASTHENIC SYNDROME, CONGENITAL, 4A, SLOW-CHANNEL, AUTOSOMAL RECESSIVE; Myasthenic syndrome, congenital, 4a, slow-channel. Identifiers: Orphanet 590, MedGen C4225413, MONDO:0011600, OMIM 605809.

Allele frequency attached by ClinVar (database versions not stated): gnomAD 0.00002; TOPMed 0.00002.
gnomAD v4.1: 14 of 1,609,032 alleles (0.00087%); highest among the groups gnomAD compares: South Asian, 0.0044%; no homozygotes.

Submission:

Labcorp Genetics (formerly Invitae), Labcorp
Classification: Uncertain significance for Congenital myasthenic syndrome 4A. Last evaluated: 2022-10-12. Review status: criteria provided, single submitter. Criteria: Invitae Variant Classification Sherloc (09022015). Collection method: clinical testing. Allele origin: germline.
Comment: This sequence change replaces threonine, which is neutral and polar, with methionine, which is neutral and non-polar, at codon 434 of the CHRNE protein (p.Thr434Met). This variant is not present in population databases (gnomAD no frequency). This variant has not been reported in the literature in individuals affected with CHRNE-related conditions. ClinVar contains an entry for this variant (Variation ID: 1419957). Advanced modeling of protein sequence and biophysical properties (such as structural, functional, and spatial information, amino acid conservation, physicochemical variation, residue mobility, and thermodynamic stability) performed at Invitae indicates that this missense variant is not expected to disrupt CHRNE protein function. In summary, the available evidence is currently insufficient to determine the role of this variant in disease. Therefore, it has been classified as a Variant of Uncertain Significance.

NM_000080.4(CHRNE):c.1301C>T (p.Thr434Met)

Gene: CHRNE (cholinergic receptor nicotinic epsilon subunit; minus strand). Cytogenetic location: 17p13.2.
Variant type: single nucleotide variant.
Coding change: c.1301C>T on transcript NM_000080.4 (MANE Select); coding-DNA position 1301, C replaced by T.
Protein change: p.Thr434Met; replaces threonine 434 with methionine.
Molecular consequence: missense variant.
Genome position (GRCh38, 1-based): chr17:4,899,026, G>A on the plus strand (C>T on the coding strand, the complement: CHRNE is on the minus strand). VCF-style: chr17-4899026-G-A. GRCh37 (hg19) VCF-style: chr17-4802321-G-A.
Other names: short protein forms T434M.
Identifiers: ClinVar variation 1419957 (VCV001419957.3), dbSNP rs1049573372, ClinGen allele CA287179316.